The following is an entry in ClinVar:

NM_152564.5(VPS13B):c.3800G>A (p.Ser1267Asn)

Gene: VPS13B (vacuolar protein sorting 13 homolog B; plus strand). Cytogenetic location: 8q22.2.
Variant type: single nucleotide variant.
Coding change: c.3800G>A on transcript NM_152564.5 (MANE Select); coding-DNA position 3800, G replaced by A.
Protein change: p.Ser1267Asn; replaces serine 1267 with asparagine.
Molecular consequence: missense variant.
Genome position (GRCh38, 1-based): chr8:99,481,732, G>A. VCF-style: chr8-99481732-G-A. GRCh37 (hg19) VCF-style: chr8-100493960-G-A.
Other names: c.3800G>A (NM_017890.3); c.3800G>A, p.Ser1267Asn (NM_017890.5); short protein forms S1267N.
Identifiers: ClinVar variation 2909205 (VCV002909205.4), dbSNP rs889348602, ClinGen allele CA371866917.

ClinVar aggregate classification (germline): Uncertain significance. Review status: criteria provided, multiple submitters, no conflicts (2 of 4 stars). 2 submissions from 2 submitters: Uncertain significance (2). Last evaluated 2025-08-03.

Conditions:
Cohen syndrome (COH1). Also called: Cutis verticis gyrata, retinitis pigmentosa, and sensorineural deafness; PEPPER SYNDROME. Identifiers: Orphanet 193, MedGen C0265223, MONDO:0008999, OMIM 216550.
Inborn genetic diseases. Identifiers: MedGen C0950123, MeSH D030342.

Allele frequency attached by ClinVar (database versions not stated): gnomAD 0.00001; TOPMed 0.00001.
gnomAD v4.1: 1 of 1,613,846 alleles (0.000062%); highest among the groups gnomAD compares: African/African-American, 0.0013%; no homozygotes.

Submissions (2):

Ambry Genetics
Classification: Uncertain significance for Inborn genetic diseases. Last evaluated: 2025-08-03. Review status: criteria provided, single submitter. Criteria: Ambry Variant Classification Scheme 2023. Collection method: clinical testing. Allele origin: germline.

Labcorp Genetics (formerly Invitae), Labcorp
Classification: Uncertain significance for Cohen syndrome. Last evaluated: 2024-09-08. Review status: criteria provided, single submitter. Criteria: Invitae Variant Classification Sherloc (09022015). Collection method: clinical testing. Allele origin: germline.
Comment: This sequence change replaces serine, which is neutral and polar, with asparagine, which is neutral and polar, at codon 1267 of the VPS13B protein (p.Ser1267Asn). This variant is not present in population databases (gnomAD no frequency). This variant has not been reported in the literature in individuals affected with VPS13B-related conditions. Invitae Evidence Modeling of protein sequence and biophysical properties (such as structural, functional, and spatial information, amino acid conservation, physicochemical variation, residue mobility, and thermodynamic stability) indicates that this missense variant is expected to disrupt VPS13B protein function with a positive predictive value of 80%. In summary, the available evidence is currently insufficient to determine the role of this variant in disease. Therefore, it has been classified as a Variant of Uncertain Significance.